The following is an entry in ClinVar:

NM_000141.5(FGFR2):c.1348C>T (p.Arg450Cys)

Gene: FGFR2 (fibroblast growth factor receptor 2; minus strand). Cytogenetic location: 10q26.13.
Variant type: single nucleotide variant.
Coding change: c.1348C>T on transcript NM_000141.5 (MANE Select); coding-DNA position 1348, C replaced by T.
Protein change: p.Arg450Cys; replaces arginine 450 with cysteine.
Molecular consequence: missense variant. On other transcripts: non-coding transcript variant (1).
Genome position (GRCh38, 1-based): chr10:121,503,881, G>A on the plus strand (C>T on the coding strand, the complement: FGFR2 is on the minus strand). VCF-style: chr10-121503881-G-A. GRCh37 (hg19) VCF-style: chr10-123263395-G-A.
Other names: c.1351C>T, p.Arg451Cys (NM_001144913.1, NM_022970.4); c.1012C>T, p.Arg338Cys (NM_001144914.1); c.1081C>T, p.Arg361Cys (NM_001144915.2, NM_023029.3); c.1003C>T, p.Arg335Cys (NM_001144916.2); c.1000C>T, p.Arg334Cys (NM_001144917.2); c.997C>T, p.Arg333Cys (NM_001144918.2); c.1084C>T, p.Arg362Cys (NM_001144919.2); c.664C>T, p.Arg222Cys (NM_001320654.2); and 1 more; short protein forms R222C, R333C, R334C, R335C, R338C, R361C, R362C, R448C.
Identifiers: ClinVar variation 1052478 (VCV001052478.15), dbSNP rs536181987, ClinGen allele CA5720768.

ClinVar aggregate classification (germline): Conflicting classifications of pathogenicity. Review status: criteria provided, conflicting classifications (1 of 4 stars). 4 submissions from 4 submitters: Uncertain significance (3); Likely benign (1). Last evaluated 2025-10-02.

Conditions:
Pfeiffer syndrome (ACS5). Also called: ACS V. Identifiers: Orphanet 710, MedGen C0220658, MONDO:0007043, OMIM 101600.
Saethre-Chotzen syndrome (SCS). Also called: CHOTZEN SYNDROME; ACROCEPHALY, SKULL ASYMMETRY, AND MILD SYNDACTYLY; ACS III. Identifiers: Orphanet 794, MedGen C0175699, MONDO:0007042, OMIM 101400.
Familial scaphocephaly syndrome, McGillivray type. Also called: SCAPHOCEPHALY, MAXILLARY RETRUSION, AND IMPAIRED INTELLECTUAL DEVELOPMENT. Identifiers: Orphanet 168624, MedGen C1865070, MONDO:0012307, OMIM 609579.
Acrocephalosyndactyly type I (ACS1). Also called: Apert syndrome; Acrocephalo-syndactyly type 1; ACS 1; Syndactylic oxycephaly. Identifiers: Orphanet 87, MedGen C0001193, MONDO:0007041, OMIM 101200.
Jackson-Weiss syndrome (JWS). Also called: CRANIOSYNOSTOSIS, MIDFACIAL HYPOPLASIA, AND FOOT ABNORMALITIES. Identifiers: Orphanet 1540, MedGen C0795998, MONDO:0007400, OMIM 123150. Disease mechanism: loss of function.
Antley-Bixler syndrome without genital anomalies or disordered steroidogenesis (ABS2). Also called: MULTISYNOSTOTIC OSTEODYSGENESIS WITH LONG BONE FRACTURES; Antley-Bixler Syndrome, Autosomal Dominant; Trapezoidocephaly synostosis syndrome; Osteodysgenesis, multisynostotic with fractures. Identifiers: Orphanet 596008, Orphanet 83, MedGen C2936791, MONDO:0020667, OMIM 207410.
Crouzon syndrome. Also called: CRANIOFACIAL DYSOSTOSIS, TYPE I; Craniofacial dysostosis type 1; Crouzon craniofacial dysostosis; Crouzon disease; Craniofacial dysostosis. Identifiers: Orphanet 207, MedGen C0010273, MeSH D003394, MONDO:0007405, OMIM 123500, HP:0004439.
Beare-Stevenson cutis gyrata syndrome (BSTVS). Identifiers: Orphanet 1555, MedGen C1852406, MONDO:0007412, OMIM 123790.
Bent bone dysplasia syndrome 1 (BBDS1). Also called: FGFR2-related bent bone dysplasia. Identifiers: Orphanet 313855, MedGen C3281247, MONDO:0013815, OMIM 614592.
Gastric cancer. Also called: Malignant tumor of stomach; Stomach cancer. Identifiers: MedGen C0024623, MeSH D013274, MONDO:0001056, OMIM 613659, HP:0012126.
LADD syndrome 1 (LADD1). Also called: Lacrimoauriculodentodigital syndrome 1. Identifiers: MedGen C5774323, MONDO:0100302, OMIM 149730.
Inborn genetic diseases. Identifiers: MedGen C0950123, MeSH D030342.
FGFR2-related craniosynostosis. Identifiers: MedGen CN231480.

Allele frequency attached by ClinVar (database versions not stated): ExAC 0.00002; gnomAD 0.00002 and 0.00003; gnomAD exomes 0.00003 and 0.00004; 1000 Genomes Project 30x 0.00016; 1000 Genomes Project 0.00020; TOPMed 0.00006.
gnomAD v4.1: 55 of 1,614,124 alleles (0.0034%); highest among the groups gnomAD compares: Middle Eastern, 0.033%; no homozygotes.

Submissions (4):

Labcorp Genetics (formerly Invitae), Labcorp
Classification: Uncertain significance for FGFR2-related craniosynostosis. Last evaluated: 2025-10-02. Review status: criteria provided, single submitter. Criteria: Invitae Variant Classification Sherloc (09022015). Collection method: clinical testing. Allele origin: germline.
Comment: This sequence change replaces arginine, which is basic and polar, with cysteine, which is neutral and slightly polar, at codon 450 of the FGFR2 protein (p.Arg450Cys). This variant is present in population databases (rs536181987, gnomAD 0.01%). This missense change has been observed in individual(s) with clinical features of FGFR2-related conditions (PMID: 30919572). ClinVar contains an entry for this variant (Variation ID: 1052478). Invitae Evidence Modeling of protein sequence and biophysical properties (such as structural, functional, and spatial information, amino acid conservation, physicochemical variation, residue mobility, and thermodynamic stability) indicates that this missense variant is not expected to disrupt FGFR2 protein function with a negative predictive value of 80%. In summary, the available evidence is currently insufficient to determine the role of this variant in disease. Therefore, it has been classified as a Variant of Uncertain Significance.

Ambry Genetics
Classification: Uncertain significance for Inborn genetic diseases. Last evaluated: 2024-12-06. Review status: criteria provided, single submitter. Criteria: Ambry Variant Classification Scheme 2023. Collection method: clinical testing. Allele origin: germline.

Fulgent Genetics
Classification: Likely benign for Acrocephalosyndactyly type I; Saethre-Chotzen syndrome; Pfeiffer syndrome; Jackson-Weiss syndrome; Crouzon syndrome; Beare-Stevenson cutis gyrata syndrome; LADD syndrome 1; Antley-Bixler syndrome without genital anomalies or disordered steroidogenesis; Familial scaphocephaly syndrome, McGillivray type; Gastric cancer; Bent bone dysplasia syndrome 1. Last evaluated: 2024-04-13. Review status: criteria provided, single submitter. Criteria: ACMG Guidelines, 2015. Collection method: clinical testing. Allele origin: germline.

GeneDx
Classification: Uncertain significance. Last evaluated: 2019-01-07. Review status: criteria provided, single submitter. Criteria: GeneDx Variant Classification Process June 2021. Collection method: clinical testing. Allele origin: germline. Affected: yes.
Comment: In silico analysis, which includes protein predictors and evolutionary conservation, supports a deleterious effect; Has not been previously published as pathogenic or benign to our knowledge; This variant is associated with the following publications: (PMID: 30919572)

Literature cited by the submitters: PubMed 30919572 (cited by Labcorp Genetics (formerly Invitae), Labcorp and Ambry Genetics).